The following is an entry in ClinVar:

NM_022336.4(EDAR):c.986T>G (p.Ile329Ser)

Genes: EDAR (ectodysplasin A receptor; minus strand), RANBP2 (RAN binding protein 2; plus strand). Cytogenetic location: 2q13.
Variant type: single nucleotide variant.
Coding change: c.986T>G on transcript NM_022336.4 (MANE Select); coding-DNA position 986, T replaced by G.
Protein change: p.Ile329Ser; replaces isoleucine 329 with serine.
Molecular consequence: missense variant.
Genome position (GRCh38, 1-based): chr2:108,906,346, A>C on the plus strand (T>G on the coding strand, the complement: EDAR is on the minus strand). VCF-style: chr2-108906346-A-C. GRCh37 (hg19) VCF-style: chr2-109522802-A-C.
Other names: short protein forms I329S.
Identifiers: ClinVar variation 1042627 (VCV001042627.10), dbSNP rs1696805635, ClinGen allele CA348050485.

ClinVar aggregate classification (germline): Likely pathogenic (1 of 4 stars; one submission).

Conditions:
Ectodermal dysplasia 10A, hypohidrotic/hair/nail type, autosomal dominant (ECTD10A). Also called: Ectodermal Dysplasia 3, Anhidrotic. Identifiers: Orphanet 1810, Orphanet 238468, MedGen C3888065, MONDO:0007509, OMIM 129490.
Autosomal recessive hypohidrotic ectodermal dysplasia syndrome. Also called: Autosomal recessive hypohidrotic ectodermal dysplasia. Identifiers: Orphanet 248, MedGen C0406702, MONDO:0016619.

Submission:

Labcorp Genetics (formerly Invitae), Labcorp
Classification: Likely pathogenic for Ectodermal dysplasia 10A, hypohidrotic/hair/nail type, autosomal dominant; Autosomal recessive hypohidrotic ectodermal dysplasia syndrome. Last evaluated: 2022-03-22. Review status: criteria provided, single submitter. Criteria: Invitae Variant Classification Sherloc (09022015). Collection method: clinical testing. Allele origin: germline.
Comment: Advanced modeling of protein sequence and biophysical properties (such as structural, functional, and spatial information, amino acid conservation, physicochemical variation, residue mobility, and thermodynamic stability) performed at Invitae indicates that this missense variant is expected to disrupt EDAR protein function. In summary, the currently available evidence indicates that the variant is pathogenic, but additional data are needed to prove that conclusively. Therefore, this variant has been classified as Likely Pathogenic. This missense change has been observed in individuals with clinical features of autosomal dominant ectodermal dysplasia (Invitae). This variant is not present in population databases (gnomAD no frequency). This sequence change replaces isoleucine, which is neutral and non-polar, with serine, which is neutral and polar, at codon 329 of the EDAR protein (p.Ile329Ser). ClinVar contains an entry for this variant (Variation ID: 1042627).